The following is an entry in ClinVar:

ClinVar aggregate classification (germline): Uncertain significance (1 of 4 stars; one submission).

Conditions:
Jeune thoracic dystrophy. Also called: Jeune syndrome; Infantile thoracic dystrophy; Thoracic pelvic phalangeal dystrophy; Jeune's syndrome; Chondroectodermal dysplasia-like syndrome; Short-rib thoracic dysplasia. Identifiers: Orphanet 474, MedGen C0265275, MONDO:0018770.
Nephronophthisis. Also called: Juvenile Nephronophthisis. Identifiers: Orphanet 655, MedGen C0687120, MONDO:0019005, HP:0000090.

Allele frequency attached by ClinVar (database versions not stated): TOPMed below 0.00001; ExAC 0.00001; gnomAD 0.00001; gnomAD exomes 0.00001.
gnomAD v4.1: 10 of 1,613,632 alleles (0.00062%); highest among the groups gnomAD compares: Non-Finnish European, 0.00085%; no homozygotes.

Submission:

Labcorp Genetics (formerly Invitae), Labcorp
Classification: Uncertain significance for Jeune thoracic dystrophy; Nephronophthisis. Last evaluated: 2022-10-10. Review status: criteria provided, single submitter. Criteria: Invitae Variant Classification Sherloc (09022015). Collection method: clinical testing. Allele origin: germline.
Comment: In summary, the available evidence is currently insufficient to determine the role of this variant in disease. Therefore, it has been classified as a Variant of Uncertain Significance. Advanced modeling of protein sequence and biophysical properties (such as structural, functional, and spatial information, amino acid conservation, physicochemical variation, residue mobility, and thermodynamic stability) performed at Invitae indicates that this missense variant is not expected to disrupt TTC21B protein function. This variant has not been reported in the literature in individuals affected with TTC21B-related conditions. This variant is present in population databases (rs746477309, gnomAD 0.0009%). This sequence change replaces aspartic acid, which is acidic and polar, with asparagine, which is neutral and polar, at codon 1054 of the TTC21B protein (p.Asp1054Asn).

NM_024753.5(TTC21B):c.3160G>A (p.Asp1054Asn)

Gene: TTC21B (tetratricopeptide repeat domain 21B; minus strand). Cytogenetic location: 2q24.3.
Variant type: single nucleotide variant.
Coding change: c.3160G>A on transcript NM_024753.5 (MANE Select); coding-DNA position 3160, G replaced by A.
Protein change: p.Asp1054Asn; replaces aspartic acid 1054 with asparagine.
Molecular consequence: missense variant.
Genome position (GRCh38, 1-based): chr2:165,890,582, C>T on the plus strand (G>A on the coding strand, the complement: TTC21B is on the minus strand). VCF-style: chr2-165890582-C-T. GRCh37 (hg19) VCF-style: chr2-166747092-C-T.
Other names: short protein forms D1054N.
Identifiers: ClinVar variation 1978847 (VCV001978847.3), dbSNP rs746477309, ClinGen allele CA1941568.